The following is an entry in ClinVar:

ClinVar aggregate classification (germline): Uncertain significance. Review status: criteria provided, multiple submitters, no conflicts (2 of 4 stars). 3 submissions from 3 submitters: Uncertain significance (3). Last evaluated 2024-05-08.

Conditions:
Inborn genetic diseases. Identifiers: MedGen C0950123, MeSH D030342.

Allele frequency attached by ClinVar (database versions not stated): TOPMed 0.00005; ExAC 0.00009; gnomAD 0.00009.
gnomAD v4.1: 34 of 1,611,390 alleles (0.0021%); highest among the groups gnomAD compares: African/African-American, 0.031%; no homozygotes.

Submissions (3):

Ambry Genetics
Classification: Uncertain significance for Inborn genetic diseases. Last evaluated: 2024-05-08. Review status: criteria provided, single submitter. Criteria: Ambry Variant Classification Scheme 2023. Collection method: clinical testing. Allele origin: germline.

GeneDx
Classification: Uncertain significance. Last evaluated: 2023-07-03. Review status: criteria provided, single submitter. Criteria: GeneDx Variant Classification Process June 2021. Collection method: clinical testing. Allele origin: germline. Affected: yes.
Comment: In silico analysis supports that this missense variant has a deleterious effect on protein structure/function; Has not been previously published as pathogenic or benign to our knowledge

Labcorp Genetics (formerly Invitae), Labcorp
Classification: Uncertain significance. Last evaluated: 2022-06-01. Review status: criteria provided, single submitter. Criteria: Invitae Variant Classification Sherloc (09022015). Collection method: clinical testing. Allele origin: germline.
Comment: In summary, the available evidence is currently insufficient to determine the role of this variant in disease. Therefore, it has been classified as a Variant of Uncertain Significance. Algorithms developed to predict the effect of missense changes on protein structure and function are either unavailable or do not agree on the potential impact of this missense change (SIFT: "Deleterious"; PolyPhen-2: "Not Available"; Align-GVGD: "Class C65"). This variant has not been reported in the literature in individuals affected with MICU1-related conditions. This variant is present in population databases (rs771394903, gnomAD 0.04%). This sequence change replaces phenylalanine, which is neutral and non-polar, with serine, which is neutral and polar, at codon 284 of the MICU1 protein (p.Phe284Ser).

NM_001195518.2(MICU1):c.845T>C (p.Phe282Ser)

Gene: MICU1 (mitochondrial calcium uptake 1; minus strand). Cytogenetic location: 10q22.1.
Variant type: single nucleotide variant.
Coding change: c.845T>C on transcript NM_001195518.2 (MANE Select); coding-DNA position 845, T replaced by C.
Protein change: p.Phe282Ser; replaces phenylalanine 282 with serine.
Molecular consequence: missense variant.
Genome position (GRCh38, 1-based): chr10:72,475,188, A>G on the plus strand (T>C on the coding strand, the complement: MICU1 is on the minus strand). VCF-style: chr10-72475188-A-G. GRCh37 (hg19) VCF-style: chr10-74234946-A-G.
Other names: c.251T>C, p.Phe84Ser (NM_001195519.2); c.863T>C, p.Phe288Ser (NM_001363513.2); c.851T>C, p.Phe284Ser (NM_006077.4); c.851T>C (NM_006077.3); short protein forms F282S, F288S, F84S, F284S.
Identifiers: ClinVar variation 2172344 (VCV002172344.4), dbSNP rs771394903, ClinGen allele CA5550144.